The following is an entry in ClinVar:

NM_002890.3(RASA1):c.2275_2276del (p.Ile759fs)

Genes: CCNH (cyclin H; minus strand), RASA1 (RAS p21 protein activator 1; plus strand). Cytogenetic location: 5q14.3.
Variant type: Deletion.
Coding change: c.2275_2276del on transcript NM_002890.3 (MANE Select); coding-DNA positions 2275 to 2276, 2 bases deleted (AT; older notation c.2275_2276delAT).
Protein change: p.Ile759fs; shifts the reading frame from isoleucine 759.
Molecular consequence: frameshift variant. On other transcripts: intron variant (1).
Genome position (GRCh38, 1-based): chr5:87,376,971-87,376,972, AT deleted. VCF-style (leftmost placement, unchanged base first): chr5-87376970-GAT-G. GRCh37 (hg19) VCF-style: chr5-86672787-GAT-G.
Other names: c.1744_1745del, p.Ile582fs (NM_022650.3); c.933+18072_933+18073del (NM_001364075.2); short protein forms I759fs, I582fs.
Identifiers: ClinVar variation 3653667 (VCV003653667.2).

ClinVar aggregate classification (germline): Pathogenic (1 of 4 stars; one submission).

Conditions:
Capillary malformation-arteriovenous malformation syndrome. Also called: Capillary malformation-arteriovenous malformation. Identifiers: Orphanet 137667, MedGen C1842180, MONDO:0012016.

Submission:

Labcorp Genetics (formerly Invitae), Labcorp
Classification: Pathogenic for Capillary malformation-arteriovenous malformation syndrome. Last evaluated: 2024-06-11. Review status: criteria provided, single submitter. Criteria: Invitae Variant Classification Sherloc (09022015). Collection method: clinical testing. Allele origin: germline.
Comment: This sequence change creates a premature translational stop signal (p.Ile759Phefs*7) in the RASA1 gene. It is expected to result in an absent or disrupted protein product. Loss-of-function variants in RASA1 are known to be pathogenic (PMID: 24038909). This variant is not present in population databases (gnomAD no frequency). This variant has not been reported in the literature in individuals affected with RASA1-related conditions. Algorithms developed to predict the effect of sequence changes on RNA splicing suggest that this variant may disrupt the consensus splice site. For these reasons, this variant has been classified as Pathogenic.

Literature cited by the submitters: PubMed 24038909.